The following is an entry in ClinVar:

NM_018076.5(ODAD2):c.2011G>A (p.Ala671Thr)

Gene: ODAD2 (outer dynein arm docking complex subunit 2; minus strand). Cytogenetic location: 10p12.1.
Variant type: single nucleotide variant.
Coding change: c.2011G>A on transcript NM_018076.5 (MANE Select); coding-DNA position 2011, G replaced by A.
Protein change: p.Ala671Thr; replaces alanine 671 with threonine.
Molecular consequence: missense variant.
Genome position (GRCh38, 1-based): chr10:27,939,983, C>T on the plus strand (G>A on the coding strand, the complement: ODAD2 is on the minus strand). VCF-style: chr10-27939983-C-T. GRCh37 (hg19) VCF-style: chr10-28228912-C-T.
Other names: c.2011G>A, p.Ala671Thr (NM_001290020.2); c.586G>A, p.Ala196Thr (NM_001290021.2); c.1087G>A, p.Ala363Thr (NM_001312689.2); short protein forms A671T, A363T, A196T.
Identifiers: ClinVar variation 412252 (VCV000412252.8), dbSNP rs1060503678, ClinGen allele CA16612859.

ClinVar aggregate classification (germline): Uncertain significance (1 of 4 stars; one submission).

Conditions:
Primary ciliary dyskinesia 23 (CILD23). Also called: CILIARY DYSKINESIA, PRIMARY, 23, WITH OR WITHOUT SITUS INVERSUS. Identifiers: Orphanet 244, MedGen C3809548, MONDO:0014193, OMIM 615451.

Allele frequency attached by ClinVar (database versions not stated): gnomAD exomes below 0.00001 and 0.00001; TOPMed 0.00001.
gnomAD v4.1: 4 of 1,609,878 alleles (0.00025%); highest among the groups gnomAD compares: African/African-American, 0.0013%; no homozygotes.

Submission:

Labcorp Genetics (formerly Invitae), Labcorp
Classification: Uncertain significance for Primary ciliary dyskinesia 23. Last evaluated: 2016-07-18. Review status: criteria provided, single submitter. Criteria: Invitae Variant Classification Sherloc (09022015). Collection method: clinical testing. Allele origin: germline.
Comment: In summary, this variant is a novel missense change that is not predicted to affect protein function. There is no indication that it causes disease, but the available evidence is currently insufficient to prove that conclusively. Therefore, it has been classified as a Variant of Uncertain Significance. Algorithms developed to predict the effect of missense changes on protein structure and function (SIFT, PolyPhen-2, Align-GVGD) all suggest that this variant is likely to be tolerated, but these predictions have not been confirmed by published functional studies. This variant is not present in population databases (ExAC no frequency) and has not been reported in the literature in individuals with an ARMC4-related disease. This sequence change replaces alanine with threonine at codon 671 of the ARMC4 protein (p.Ala671Thr). The alanine residue is weakly conserved and there is a small physicochemical difference between alanine and threonine.